The following is an entry in ClinVar:

ClinVar aggregate classification (germline): Likely benign. Review status: criteria provided, multiple submitters, no conflicts (2 of 4 stars). 2 submissions from 2 submitters: Likely benign (2). Last evaluated 2024-05-29.

Allele frequency attached by ClinVar (database versions not stated): gnomAD exomes below 0.00001; TOPMed below 0.00001; ExAC 0.00001.
gnomAD v4.1: 1 of 1,612,652 alleles (0.000062%); highest among the groups gnomAD compares: Non-Finnish European, 0.000085%; no homozygotes.

Submissions (2):

Labcorp Genetics (formerly Invitae), Labcorp
Classification: Likely benign. Last evaluated: 2024-05-29. Review status: criteria provided, single submitter. Criteria: Invitae Variant Classification Sherloc (09022015). Collection method: clinical testing. Allele origin: germline.

CeGaT Center for Human Genetics Tuebingen
Classification: Likely benign. Last evaluated: 2024-01-01. Review status: criteria provided, single submitter. Criteria: CeGaT Center For Human Genetics Tuebingen Variant Classification Criteria Version 2. Collection method: clinical testing. Allele origin: germline. Affected: yes. Observed: 1 variant allele.
Comment: PACS2: BP4, BP7

NM_001100913.3(PACS2):c.1200G>A (p.Val400=)

Gene: PACS2 (phosphofurin acidic cluster sorting protein 2; plus strand). Cytogenetic location: 14q32.33.
Variant type: single nucleotide variant.
Coding change: c.1200G>A on transcript NM_001100913.3 (MANE Select); coding-DNA position 1200, G replaced by A.
Protein change: p.Val400=; no amino-acid change (valine 400 retained).
Molecular consequence: synonymous variant.
Genome position (GRCh38, 1-based): chr14:105,381,031, G>A. VCF-style: chr14-105381031-G-A. GRCh37 (hg19) VCF-style: chr14-105847368-G-A.
Other names: c.975G>A, p.Val325= (NM_001243127.3); c.1200G>A, p.Val400= (NM_015197.4).
Identifiers: ClinVar variation 3026981 (VCV003026981.24), dbSNP rs782670994, ClinGen allele CA7388746.